The following is an entry in ClinVar:

ClinVar aggregate classification (germline): Uncertain significance (1 of 4 stars; one submission).

Conditions:
Hereditary nonpolyposis colorectal neoplasms. Identifiers: MedGen C0009405, MeSH D003123.

Submission:

Labcorp Genetics (formerly Invitae), Labcorp
Classification: Uncertain significance for Hereditary nonpolyposis colorectal neoplasms. Last evaluated: 2022-09-27. Review status: criteria provided, single submitter. Criteria: Invitae Variant Classification Sherloc (09022015). Collection method: clinical testing. Allele origin: germline.
Comment: This sequence change falls in intron 9 of the MSH6 gene. It does not directly change the encoded amino acid sequence of the MSH6 protein. This variant is not present in population databases (gnomAD no frequency). This variant has not been reported in the literature in individuals affected with MSH6-related conditions. ClinVar contains an entry for this variant (Variation ID: 1011398). Algorithms developed to predict the effect of sequence changes on RNA splicing suggest that this variant may disrupt the consensus splice site. In summary, the available evidence is currently insufficient to determine the role of this variant in disease. Therefore, it has been classified as a Variant of Uncertain Significance.

NM_000179.3(MSH6):c.4002-8A>G

Gene: MSH6 (mutS homolog 6; plus strand). Cytogenetic location: 2p16.3.
Variant type: single nucleotide variant.
Coding change: c.4002-8A>G on transcript NM_000179.3 (MANE Select); 8 bases into the intron before coding-DNA position 4002, A replaced by G.
Molecular consequence: intron variant.
Genome position (GRCh38, 1-based): chr2:47,806,771, A>G. VCF-style: chr2-47806771-A-G. GRCh37 (hg19) VCF-style: chr2-48033910-A-G.
Other names: c.3096-8A>G (NM_001281493.2, NM_001281494.2); c.3612-8A>G (NM_001281492.2).
Identifiers: ClinVar variation 1011398 (VCV001011398.9), dbSNP rs778957100, ClinGen allele CA2496054517.
Genomic context (GRCh38, chr2:47,806,771, plus strand): 5'-AAAAGGGGAAGGGATGATGCACTATGAAAAAACAAAAAAACTTTTTTTTTTTTTTTTTTA[A>G]TTTTAAGGGAAGTTTGCCTGGCTAGTGAAAGGTCAACTGTAGATGCTGAAGCTGTCCATA-3'